The following is an entry in ClinVar:

NM_000540.3(RYR1):c.1171C>T (p.Arg391Cys)

Gene: RYR1 (ryanodine receptor 1; plus strand). Cytogenetic location: 19q13.2.
Variant type: single nucleotide variant.
Coding change: c.1171C>T on transcript NM_000540.3 (MANE Select); coding-DNA position 1171, C replaced by T.
Protein change: p.Arg391Cys; replaces arginine 391 with cysteine.
Molecular consequence: missense variant.
Genome position (GRCh38, 1-based): chr19:38,451,812, C>T. VCF-style: chr19-38451812-C-T. GRCh37 (hg19) VCF-style: chr19-38942452-C-T.
Other names: c.1171C>T, p.Arg391Cys (NM_001042723.2); short protein forms R391C.
Identifiers: ClinVar variation 2160508 (VCV002160508.3), dbSNP rs180914178, ClinGen allele CA057566.

ClinVar aggregate classification (germline): Uncertain significance. Review status: criteria provided, multiple submitters, no conflicts (2 of 4 stars). 3 submissions from 3 submitters: Uncertain significance (3). Last evaluated 2025-07-18.

Conditions:
Malignant hyperthermia, susceptibility to, 1 (MHS1). Also called: Malignant hyperthermia suceptibility 1; Anesthesia related hyperthermia; Malignant hyperpyrexia; Fulminating hyperpyrexia; Pharmacogenic myopathy; RYR1-Related Malignant Hyperthermia Susceptibility. Identifiers: Orphanet 423, MedGen C2930980, MONDO:0007783, OMIM 145600.
RYR1-related disorder. Also called: RYR1-related disorders; RYR1-related condition. Identifiers: MedGen CN239331.

Allele frequency attached by ClinVar (database versions not stated): gnomAD 0.00001; TOPMed 0.00001; gnomAD exomes 0.00002; ExAC 0.00006; 1000 Genomes Project 30x 0.00016; 1000 Genomes Project 0.00020.
gnomAD v4.1: 30 of 1,614,084 alleles (0.0019%); highest among the groups gnomAD compares: Middle Eastern, 0.016%; no homozygotes.

Submissions (3):

Color Diagnostics, LLC DBA Color Health
Classification: Uncertain significance for Malignant hyperthermia, susceptibility to, 1. Last evaluated: 2025-07-18. Review status: criteria provided, single submitter. Criteria: ACMG Guidelines, 2015. Collection method: clinical testing. Allele origin: germline.
Comment: This missense variant replaces arginine with cysteine at codon 391 of the RYR1 protein. Computational prediction is inconclusive regarding the impact of this variant on protein structure and function. To our knowledge, functional studies have not been reported for this variant. This variant has not been reported in individuals affected with RYR1-related disorders in the literature. This variant has been identified in 10/282688 chromosomes in the general population by the Genome Aggregation Database (gnomAD). The available evidence is insufficient to determine the role of this variant in disease conclusively. Therefore, this variant is classified as a Variant of Uncertain Significance.

All of Us Research Program, National Institutes of Health
Classification: Uncertain significance for Malignant hyperthermia, susceptibility to, 1. Last evaluated: 2023-05-04. Review status: criteria provided, single submitter. Criteria: ACMG Guidelines, 2015. Collection method: clinical testing. Allele origin: germline. Inheritance: Autosomal dominant inheritance. Observed: 3 variant alleles, 3 heterozygotes.
Comment: This missense variant replaces arginine with cysteine at codon 391 of the RYR1 protein. Computational prediction is inconclusive regarding the impact of this variant on protein structure and function (internally defined REVEL score threshold 0.5 < inconclusive < 0.7, PMID: 27666373). To our knowledge, functional studies have not been reported for this variant. This variant has not been reported in individuals affected with RYR1-related disorders in the literature. This variant has been identified in 10/282688 chromosomes in the general population by the Genome Aggregation Database (gnomAD). The available evidence is insufficient to determine the role of this variant in disease conclusively. Therefore, this variant is classified as a Variant of Uncertain Significance.

This study involves interpretation of variants in research participants for the purpose of population health screening. Participant phenotype was not available at the time of variant classification. Additional details can be found in publication PMID: 35346344, PMCID: PMC8962531

Labcorp Genetics (formerly Invitae), Labcorp
Classification: Uncertain significance for RYR1-related disorder. Last evaluated: 2022-08-16. Review status: criteria provided, single submitter. Criteria: Invitae Variant Classification Sherloc (09022015). Collection method: clinical testing. Allele origin: germline.
Comment: This sequence change replaces arginine, which is basic and polar, with cysteine, which is neutral and slightly polar, at codon 391 of the RYR1 protein (p.Arg391Cys). This variant is present in population databases (rs180914178, gnomAD 0.01%). This variant has not been reported in the literature in individuals affected with RYR1-related conditions. Advanced modeling of protein sequence and biophysical properties (such as structural, functional, and spatial information, amino acid conservation, physicochemical variation, residue mobility, and thermodynamic stability) performed at Invitae indicates that this missense variant is expected to disrupt RYR1 protein function. In summary, the available evidence is currently insufficient to determine the role of this variant in disease. Therefore, it has been classified as a Variant of Uncertain Significance.